The following is an entry in ClinVar:

ClinVar aggregate classification (germline): Benign. Review status: criteria provided, single submitter (1 of 4 stars). 2 submissions from 2 submitters: Benign (1). 1 of the submissions does not count toward it. Last evaluated 2019-12-31.

Conditions:
BRD2-related disorder. Also called: BRD2-related condition.

Allele frequency attached by ClinVar (database versions not stated): gnomAD 0.00034 and 0.00046; gnomAD exomes 0.00045 and 0.00127; TOPMed 0.00066; ExAC 0.00119; 1000 Genomes Project 30x 0.00156; 1000 Genomes Project 0.00180.
gnomAD v4.1: 735 of 1,612,916 alleles (0.046%); highest among the groups gnomAD compares: East Asian, 1.5%; no homozygotes.

Submissions (2):

Labcorp Genetics (formerly Invitae), Labcorp
Classification: Benign. Last evaluated: 2019-12-31. Review status: criteria provided, single submitter. Criteria: Invitae Variant Classification Sherloc (09022015). Collection method: clinical testing. Allele origin: germline.

PreventionGenetics, part of Exact Sciences
Classification: Benign for BRD2-related condition. Last evaluated: 2019-10-28. Review status: no assertion criteria provided. Collection method: clinical testing. Allele origin: germline. Not counted in ClinVar's aggregate classification.
Comment: This variant is classified as benign based on ACMG/AMP sequence variant interpretation guidelines (Richards et al. 2015 PMID: 25741868, with internal and published modifications).

NM_005104.4(BRD2):c.621C>T (p.Gly207=)

Gene: BRD2 (bromodomain containing 2; plus strand). Cytogenetic location: 6p21.32.
Variant type: single nucleotide variant.
Coding change: c.621C>T on transcript NM_005104.4 (MANE Select); coding-DNA position 621, C replaced by T.
Protein change: p.Gly207=; no amino-acid change (glycine 207 retained).
Molecular consequence: synonymous variant.
Genome position (GRCh38, 1-based): chr6:32,976,260, C>T. VCF-style: chr6-32976260-C-T. GRCh37 (hg19) VCF-style: chr6-32944037-C-T.
Other names: c.621C>T, p.Gly207= (NM_001199455.1, NM_001113182.3); c.480C>T, p.Gly160= (NM_001199456.2); c.261C>T, p.Gly87= (NM_001291986.2); c.480C>T (NM_001199456.1).
Identifiers: ClinVar variation 786735 (VCV000786735.6), dbSNP rs186277039, ClinGen allele CA3748269.